The following is an entry in ClinVar:

ClinVar aggregate classification (germline): Uncertain significance. Review status: criteria provided, multiple submitters, no conflicts (2 of 4 stars). 2 submissions from 2 submitters: Uncertain significance (2). Last evaluated 2026-07-15.

Conditions:
Hereditary cancer-predisposing syndrome. Also called: Neoplastic Syndromes, Hereditary; Hereditary neoplastic syndrome; Hereditary Cancer Syndrome; Tumor predisposition. Identifiers: Orphanet 140162, MedGen C0027672, MeSH D009386, MONDO:0015356.
Microcephaly, normal intelligence and immunodeficiency (NBS). Also called: Nijmegen breakage syndrome; Microcephaly with normal intelligence immunodeficiency and lymphoreticular malignancies; Nonsyndromal microcephaly autosomal recessive with normal intelligence; Seemanova syndrome 2; BERLIN BREAKAGE SYNDROME; IMMUNODEFICIENCY, MICROCEPHALY, AND CHROMOSOMAL INSTABILITY. Identifiers: Orphanet 647, MedGen C0398791, MONDO:0009623, OMIM 251260.

Submissions (2):

Ambry Genetics
Classification: Uncertain significance for Hereditary cancer-predisposing syndrome. Last evaluated: 2026-07-15. Review status: criteria provided, single submitter. Criteria: Ambry Variant Classification Scheme 2023. Collection method: clinical testing. Allele origin: germline.
Comment: The p.P433R variant (also known as c.1298C>G), located in coding exon 10 of the NBN gene, results from a C to G substitution at nucleotide position 1298. The proline at codon 433 is replaced by arginine, an amino acid with dissimilar properties. This amino acid position is conserved. In addition, this alteration is predicted to be tolerated by in silico analysis. Based on the available evidence, the clinical significance of this variant remains unclear.

Labcorp Genetics (formerly Invitae), Labcorp
Classification: Uncertain significance for Microcephaly, normal intelligence and immunodeficiency. Last evaluated: 2021-02-04. Review status: criteria provided, single submitter. Criteria: Invitae Variant Classification Sherloc (09022015). Collection method: clinical testing. Allele origin: germline.
Comment: In summary, the available evidence is currently insufficient to determine the role of this variant in disease. Therefore, it has been classified as a Variant of Uncertain Significance. Algorithms developed to predict the effect of missense changes on protein structure and function are either unavailable or do not agree on the potential impact of this missense change (SIFT: "Deleterious"; PolyPhen-2: "Probably Damaging"; Align-GVGD: "Class C0"). This variant has not been reported in the literature in individuals with NBN-related conditions. This variant is not present in population databases (ExAC no frequency). This sequence change replaces proline with arginine at codon 433 of the NBN protein (p.Pro433Arg). The proline residue is highly conserved and there is a moderate physicochemical difference between proline and arginine.

NM_002485.5(NBN):c.1298C>G (p.Pro433Arg)

Gene: NBN (nibrin; minus strand). Cytogenetic location: 8q21.3.
Variant type: single nucleotide variant.
Coding change: c.1298C>G on transcript NM_002485.5 (MANE Select); coding-DNA position 1298, C replaced by G.
Protein change: p.Pro433Arg; replaces proline 433 with arginine.
Molecular consequence: missense variant.
Genome position (GRCh38, 1-based): chr8:89,955,382, G>C on the plus strand (C>G on the coding strand, the complement: NBN is on the minus strand). VCF-style: chr8-89955382-G-C. GRCh37 (hg19) VCF-style: chr8-90967610-G-C.
Other names: c.1052C>G, p.Pro351Arg (NM_001024688.3); short protein forms P433R, P351R.
Identifiers: ClinVar variation 461501 (VCV000461501.11), dbSNP rs1554559140, ClinGen allele CA371656166.